The following is an entry in ClinVar:

NM_007373.4(SHOC2):c.841+243T>C

Gene: SHOC2 (SHOC2 leucine rich repeat scaffold protein; plus strand). Cytogenetic location: 10q25.2.
Variant type: single nucleotide variant.
Coding change: c.841+243T>C on transcript NM_007373.4 (MANE Select); 243 bases into the intron after coding-DNA position 841, T replaced by C.
Molecular consequence: intron variant.
Genome position (GRCh38, 1-based): chr10:110,986,008, T>C. VCF-style: chr10-110986008-T-C. GRCh37 (hg19) VCF-style: chr10-112745766-T-C.
Other names: c.841+243T>C (NM_001324336.2, NM_001324337.2); c.704-14407T>C (NM_001269039.3).
Identifiers: ClinVar variation 561542 (VCV000561542.2), dbSNP rs10885074, ClinGen allele CA15662700.

ClinVar aggregate classification (germline): Benign. Review status: criteria provided, multiple submitters, no conflicts (2 of 4 stars). 2 submissions from 2 submitters: Benign (2). Last evaluated 2018-06-14.

Allele frequency attached by ClinVar (database versions not stated): 1000 Genomes Project 30x 0.44894; 1000 Genomes Project 0.45048; TOPMed 0.55020; gnomAD 0.56910 and 0.57076; gnomAD exomes 0.67999.
gnomAD v4.1: 289,094 of 449,836 alleles (64%); highest among the groups gnomAD compares: Non-Finnish European, 75%; 99,815 homozygotes.

Submissions (2):

GeneDx
Classification: Benign. Last evaluated: 2018-06-14. Review status: criteria provided, single submitter. Criteria: GeneDx Variant Classification (06012015). Collection method: clinical testing. Allele origin: germline. Affected: yes.
Comment: This variant is considered likely benign or benign based on one or more of the following criteria: it is a conservative change, it occurs at a poorly conserved position in the protein, it is predicted to be benign by multiple in silico algorithms, and/or has population frequency not consistent with disease.

Breakthrough Genomics
Classification: Benign. Review status: criteria provided, single submitter. Criteria: ACMG Guidelines, 2015. Collection method: not provided. Allele origin: germline. Inheritance: Autosomal dominant inheritance. Affected: yes.